The following is an entry in ClinVar:

ClinVar aggregate classification (germline): Uncertain significance (1 of 4 stars; one submission).

gnomAD v4.1: 1 of 1,614,206 alleles (0.000062%); highest among the groups gnomAD compares: Non-Finnish European, 0.000085%; no homozygotes.

Submission:

GeneDx
Classification: Uncertain significance. Last evaluated: 2026-04-02. Review status: criteria provided, single submitter. Criteria: GeneDx Variant Classification Process June 2021. Collection method: clinical testing. Allele origin: germline.
Comment: Not observed at significant frequency in large population cohorts (gnomAD); In silico analysis supports that this missense variant has a deleterious effect on protein structure/function; Has not been previously published as pathogenic or benign to our knowledge

NM_002471.4(MYH6):c.5190G>C (p.Lys1730Asn)

Gene: MYH6 (myosin heavy chain 6; minus strand). Cytogenetic location: 14q11.2.
Variant type: single nucleotide variant.
Coding change: c.5190G>C on transcript NM_002471.4 (MANE Select); coding-DNA position 5190, G replaced by C.
Protein change: p.Lys1730Asn; replaces lysine 1730 with asparagine.
Molecular consequence: missense variant.
Genome position (GRCh38, 1-based): chr14:23,385,015, C>G on the plus strand (G>C on the coding strand, the complement: MYH6 is on the minus strand). VCF-style: chr14-23385015-C-G. GRCh37 (hg19) VCF-style: chr14-23854224-C-G.
Other names: short protein forms K1730N.
Identifiers: ClinVar variation 5017335 (VCV005017335.1).